The following is an entry in ClinVar:

NM_006767.4(LZTR1):c.263+5G>A

Gene: LZTR1 (leucine zipper like post translational regulator 1; plus strand). Cytogenetic location: 22q11.21.
Variant type: single nucleotide variant.
Coding change: c.263+5G>A on transcript NM_006767.4 (MANE Select); 5 bases into the intron after coding-DNA position 263, G replaced by A.
Molecular consequence: intron variant.
Genome position (GRCh38, 1-based): chr22:20,983,094, G>A. VCF-style: chr22-20983094-G-A. GRCh37 (hg19) VCF-style: chr22-21337383-G-A.
Identifiers: ClinVar variation 1254541 (VCV001254541.12), dbSNP rs771241129, ClinGen allele CA638551476.

ClinVar aggregate classification (germline): Conflicting classifications of pathogenicity. Review status: criteria provided, conflicting classifications (1 of 4 stars). 4 submissions from 4 submitters: Likely pathogenic (1); Uncertain significance (3). Last evaluated 2025-08-29.

Conditions:
Hereditary cancer-predisposing syndrome. Also called: Hereditary Cancer Syndrome; Tumor predisposition; Hereditary neoplastic syndrome; Neoplastic Syndromes, Hereditary. Identifiers: Orphanet 140162, MedGen C0027672, MeSH D009386, MONDO:0015356.
Cardiovascular phenotype. Identifiers: MedGen CN230736.
LZTR1-related schwannomatosis. Also called: Schwannomatosis 2; Schwannomatosis-2, susceptibility to. Identifiers: Orphanet 93921, MedGen C3810283, MONDO:0014299, OMIM 615670.

gnomAD v4.1: 4 of 1,613,140 alleles (0.00025%); highest among the groups gnomAD compares: Admixed American, 0.005%; no homozygotes.

Submissions (4):

Labcorp Genetics (formerly Invitae), Labcorp
Classification: Uncertain significance. Last evaluated: 2025-08-29. Review status: criteria provided, single submitter. Criteria: Invitae Variant Classification Sherloc (09022015). Collection method: clinical testing. Allele origin: germline.
Comment: This sequence change falls in intron 2 of the LZTR1 gene. It does not directly change the encoded amino acid sequence of the LZTR1 protein. It affects a nucleotide within the consensus splice site. This variant is present in population databases (no rsID available, gnomAD 0.009%). This variant has not been reported in the literature in individuals affected with LZTR1-related conditions. ClinVar contains an entry for this variant (Variation ID: 1254541). Variants that disrupt the consensus splice site are a relatively common cause of aberrant splicing (PMID: 17576681, 9536098). Algorithms developed to predict the effect of sequence changes on RNA splicing suggest that this variant may disrupt the consensus splice site. In summary, the available evidence is currently insufficient to determine the role of this variant in disease. Therefore, it has been classified as a Variant of Uncertain Significance.

GeneDx
Classification: Uncertain significance. Last evaluated: 2025-02-07. Review status: criteria provided, single submitter. Criteria: GeneDx Variant Classification Process June 2021. Collection method: clinical testing. Allele origin: germline. Affected: yes.
Comment: Not observed at significant frequency in large population cohorts (gnomAD); Has not been previously published as pathogenic or benign to our knowledge; Intronic +5 splice site variant in a gene for which loss of function is a known mechanism of disease, and both splice predictors and evolutionary conservation support a deleterious effect, although in the absence of functional evidence the actual effect of this sequence change is unknown.

Ambry Genetics
Classification: Likely pathogenic for Cardiovascular phenotype; Hereditary cancer-predisposing syndrome. Last evaluated: 2024-11-20. Review status: criteria provided, single submitter. Criteria: Ambry Variant Classification Scheme 2023. Collection method: clinical testing. Allele origin: germline.
Comment: The c.263+5G>A intronic variant results from a G to A substitution 5 nucleotides after coding exon 2 in the LZTR1 gene. This nucleotide position is highly conserved in available vertebrate species. In silico splice site analysis predicts that this alteration will weaken the native splice donor site and may result in the creation or strengthening of a novel splice donor site. RNA studies have demonstrated that this alteration results in abnormal splicing in the set of samples tested (Ambry internal data). Loss-of-function variants in LZTR1 are related to an increased risk for schwannomas and autosomal recessive Noonan syndrome; however, such associations with autosomal dominant Noonan syndrome have not been observed (Piotrowski A et al. Nat Genet. 2014 Feb;46:182-7; Yamamoto GL et al. J Med Genet. 2015 Jun;52:413-21; Johnston JJ et al. Genet Med. 2018 10;20:1175-1185). Based on the supporting evidence, this variant is likely pathogenic for an increased risk of LZTR1-related schwannomatosis (SWN) and would be expected to cause autosomal recessive Noonan syndrome when present along with a second pathogenic or likely pathogenic variant on the other allele; however, the association of this alteration with autosomal dominant Noonan syndrome is unlikely.

Baylor Genetics
Classification: Uncertain significance for LZTR1-related schwannomatosis. Last evaluated: 2024-01-04. Review status: criteria provided, single submitter. Criteria: ACMG Guidelines, 2015. Collection method: clinical testing. Allele origin: unknown.

Literature cited by the submitters: PubMed 17576681 (cited by Labcorp Genetics (formerly Invitae), Labcorp); PubMed 9536098 (cited by Labcorp Genetics (formerly Invitae), Labcorp).